The following is an entry in ClinVar:

NC_000017.10:g.(56780691_56787219)_(56801462_56809844)dup

Gene: RAD51C (RAD51 paralog C; plus strand). Cytogenetic location: 17q22.
Variant type: Duplication.
Identifiers: ClinVar variation 2627157 (VCV002627157.1).

ClinVar aggregate classification (germline): Likely pathogenic (1 of 4 stars; one submission).

Conditions:
Hereditary breast ovarian cancer syndrome. Also called: Hereditary breast and ovarian cancer; Hereditary breast and ovarian cancer syndrome; Hereditary breast and ovarian cancer syndrome (HBOC); Breast and ovarian cancer; Hereditary breast and/or ovarian cancer syndrome; BRCA1- and BRCA2-Associated Hereditary Breast and Ovarian Cancer. Identifiers: Orphanet 145, MedGen C0677776, MeSH D061325, MONDO:0003582. Disease mechanism: loss of function.

Submission:

Women's Health and Genetics/Laboratory Corporation of America, LabCorp
Classification: Likely pathogenic for Hereditary breast ovarian cancer syndrome. Last evaluated: 2023-09-07. Review status: criteria provided, single submitter. Criteria: LabCorp Variant Classification Summary - May 2015. Collection method: clinical testing. Allele origin: germline.
Comment: Variant summary: The variant identified by MLPA or other technology involves the duplication of exons 5-7 in the RAD51C gene. A presumed nomenclature of c.(705+1_706-1)_(965+1_966-1)dup has been designated for the purposes of this classification. It has been assumed that this is a tandem duplication in direct orientation (Richardson_GIM_2018, Newman_AJHG_2015). Although exact breakpoints of this duplication are not known, it is expected to result in a frameshift in the RAD51C gene. The variant was absent in 21174 control chromosomes (gnomAD). To our knowledge, no occurrence of c.(705+1_706-1)_(965+1_966-1)dup in individuals affected with Hereditary Breast And Ovarian Cancer Syndrome and no experimental evidence demonstrating its impact on protein function have been reported. No submitters have cited clinical-significance assessments for this variant to ClinVar after 2014. Based on the evidence outlined above, the variant was classified as likely pathogenic.